The following is an entry in ClinVar:

ClinVar aggregate classification (germline): Uncertain significance (1 of 4 stars; one submission).

Conditions:
Hyperkalemic periodic paralysis. Also called: Familial hyperkalemic periodic paralysis; Gamstorp disease. Identifiers: Orphanet 682, MedGen C0238357, MONDO:0008224, OMIM 170500, HP:0007215.

Allele frequency attached by ClinVar (database versions not stated): gnomAD exomes below 0.00001.
gnomAD v4.1: 7 of 1,526,944 alleles (0.00046%); highest among the groups gnomAD compares: African/African-American, 0.0078%; no homozygotes.

Submission:

Labcorp Genetics (formerly Invitae), Labcorp
Classification: Uncertain significance for Hyperkalemic periodic paralysis. Last evaluated: 2023-05-19. Review status: criteria provided, single submitter. Criteria: Invitae Variant Classification Sherloc (09022015). Collection method: clinical testing. Allele origin: germline.
Comment: In summary, the available evidence is currently insufficient to determine the role of this variant in disease. Therefore, it has been classified as a Variant of Uncertain Significance. Algorithms developed to predict the effect of sequence changes on RNA splicing suggest that this variant may create or strengthen a splice site. This variant has not been reported in the literature in individuals affected with SCN4A-related conditions. This variant is present in population databases (rs746724521, gnomAD 0.003%). This sequence change falls in intron 3 of the SCN4A gene. It does not directly change the encoded amino acid sequence of the SCN4A protein.

NM_000334.4(SCN4A):c.483-6C>G

Gene: SCN4A (sodium voltage-gated channel alpha subunit 4; minus strand). Cytogenetic location: 17q23.3.
Variant type: single nucleotide variant.
Coding change: c.483-6C>G on transcript NM_000334.4 (MANE Select); 6 bases into the intron before coding-DNA position 483, C replaced by G.
Molecular consequence: intron variant.
Genome position (GRCh38, 1-based): chr17:63,971,856, G>C on the plus strand (C>G on the coding strand, the complement: SCN4A is on the minus strand). VCF-style: chr17-63971856-G-C. GRCh37 (hg19) VCF-style: chr17-62049216-G-C.
Identifiers: ClinVar variation 2968930 (VCV002968930.3), dbSNP rs746724521, ClinGen allele CA8710139.
Genomic context (GRCh38, chr17:63,971,856, plus strand): 5'-TCGGGCCAGTATCTTGATGAGGGACTCAAAGGTGTAGATCCCTGTGAAGGTGTACCTGGG[G>C]GGGAGAGGGCCGGCCGGGACAGGCATGTCACCTGGGTAGGGGTCAGTGTGGCAACGACAG-3'